The following is an entry in ClinVar:

ClinVar aggregate classification (germline): Conflicting classifications of pathogenicity. Review status: criteria provided, conflicting classifications (1 of 4 stars). 3 submissions from 3 submitters: Uncertain significance (2); Likely benign (1). Last evaluated 2026-07-01.

Conditions:
Combined oxidative phosphorylation defect type 27. Also called: Combined oxidative phosphorylation deficiency 27. Identifiers: Orphanet 477774, MedGen C5567608, MONDO:0014728, OMIM 616672.

Allele frequency attached by ClinVar (database versions not stated): gnomAD 0.00001 and 0.00008; TOPMed 0.00001; gnomAD exomes 0.00015; ExAC 0.00019; 1000 Genomes Project 0.00060; 1000 Genomes Project 30x 0.00062.
gnomAD v4.1: 117 of 1,613,368 alleles (0.0073%); highest among the groups gnomAD compares: South Asian, 0.11%; 2 homozygotes.

Submissions (3):

CeGaT Center for Human Genetics Tuebingen
Classification: Likely benign. Last evaluated: 2026-07-01. Review status: criteria provided, single submitter. Criteria: CeGaT Center For Human Genetics Tuebingen Variant Classification Criteria Version 2. Collection method: clinical testing. Allele origin: germline. Affected: yes. Observed: 1 variant allele.
Comment: CARS2: BP4, BS2

GeneDx
Classification: Uncertain significance. Last evaluated: 2025-05-21. Review status: criteria provided, single submitter. Criteria: GeneDx Variant Classification Process June 2021. Collection method: clinical testing. Allele origin: germline. Affected: yes.
Comment: In silico analysis suggests that this missense variant does not alter protein structure/function; Has not been previously published as pathogenic or benign to our knowledge

Labcorp Genetics (formerly Invitae), Labcorp
Classification: Uncertain significance for Combined oxidative phosphorylation defect type 27. Last evaluated: 2024-10-17. Review status: criteria provided, single submitter. Criteria: Invitae Variant Classification Sherloc (09022015). Collection method: clinical testing. Allele origin: germline.
Comment: This sequence change replaces alanine, which is neutral and non-polar, with valine, which is neutral and non-polar, at codon 436 of the CARS2 protein (p.Ala436Val). This variant is present in population databases (rs530176962, gnomAD 0.1%). This variant has not been reported in the literature in individuals affected with CARS2-related conditions. ClinVar contains an entry for this variant (Variation ID: 934079). Invitae Evidence Modeling of protein sequence and biophysical properties (such as structural, functional, and spatial information, amino acid conservation, physicochemical variation, residue mobility, and thermodynamic stability) indicates that this missense variant is not expected to disrupt CARS2 protein function with a negative predictive value of 80%. In summary, the available evidence is currently insufficient to determine the role of this variant in disease. Therefore, it has been classified as a Variant of Uncertain Significance.

NM_024537.4(CARS2):c.1307C>T (p.Ala436Val)

Gene: CARS2 (cysteinyl-tRNA synthetase 2, mitochondrial; minus strand). Cytogenetic location: 13q34.
Variant type: single nucleotide variant.
Coding change: c.1307C>T on transcript NM_024537.4 (MANE Select); coding-DNA position 1307, C replaced by T.
Protein change: p.Ala436Val; replaces alanine 436 with valine.
Molecular consequence: missense variant. On other transcripts: non-coding transcript variant (2).
Genome position (GRCh38, 1-based): chr13:110,645,977, G>A on the plus strand (C>T on the coding strand, the complement: CARS2 is on the minus strand). VCF-style: chr13-110645977-G-A. GRCh37 (hg19) VCF-style: chr13-111298324-G-A.
Other names: c.1307C>T (NM_024537.2); c.521C>T, p.Ala174Val (NM_001352252.2); short protein forms A436V, A174V.
Identifiers: ClinVar variation 934079 (VCV000934079.9), dbSNP rs530176962, ClinGen allele CA7051845.